The following is an entry in ClinVar:

ClinVar aggregate classification (germline): Likely benign (1 of 4 stars; one submission).

gnomAD v4.1: 1 of 659,554 alleles (0.00015%); highest among the groups gnomAD compares: South Asian, 0.0017%; no homozygotes.

Submission:

CeGaT Center for Human Genetics Tuebingen
Classification: Likely benign. Last evaluated: 2026-07-01. Review status: criteria provided, single submitter. Criteria: CeGaT Center For Human Genetics Tuebingen Variant Classification Criteria Version 2. Collection method: clinical testing. Allele origin: germline. Affected: yes. Observed: 1 variant allele.
Comment: PLIN4: BP4, BP7

NM_001367868.2(PLIN4):c.864C>A (p.Thr288=)

Gene: PLIN4 (perilipin 4; minus strand). Cytogenetic location: 19p13.3.
Variant type: single nucleotide variant.
Coding change: c.864C>A on transcript NM_001367868.2 (MANE Select); coding-DNA position 864, C replaced by A.
Protein change: p.Thr288=; no amino-acid change (threonine 288 retained).
Molecular consequence: synonymous variant.
Genome position (GRCh38, 1-based): chr19:4,513,096, G>T on the plus strand (C>A on the coding strand, the complement: PLIN4 is on the minus strand). VCF-style: chr19-4513096-G-T. GRCh37 (hg19) VCF-style: chr19-4513108-G-T.
Other names: c.867C>A, p.Thr289= (NM_001393888.1, NM_001393889.1); c.864C>A, p.Thr288= (NM_001393890.1, NM_001393891.1).
Identifiers: ClinVar variation 5038596 (VCV005038596.1).